The following is an entry in ClinVar:

ClinVar aggregate classification (germline): Uncertain significance (1 of 4 stars; one submission).

Conditions:
Inborn genetic diseases. Identifiers: MedGen C0950123, MeSH D030342.

gnomAD v4.1: 2 of 1,613,938 alleles (0.00012%); highest among the groups gnomAD compares: South Asian, 0.0022%; no homozygotes.

Submission:

Ambry Genetics
Classification: Uncertain significance for Inborn genetic diseases. Last evaluated: 2026-08-04. Review status: criteria provided, single submitter. Criteria: Ambry Variant Classification Scheme 2023. Collection method: clinical testing. Allele origin: germline.
Comment: The c.2623A>G (p.K875E) alteration is located in exon 11 (coding exon 11) of the ASXL3 gene. This alteration results from a A to G substitution at nucleotide position 2623, causing the lysine (K) at amino acid position 875 to be replaced by a glutamic acid (E). Based on data from gnomAD, the G allele has an overall frequency of <0.001% (1/248984) total alleles studied. The highest observed frequency was 0.003% (1/30598) of South Asian alleles. Based on insufficient or conflicting evidence, the clinical significance of this alteration remains unclear.

NM_030632.3(ASXL3):c.2623A>G (p.Lys875Glu)

Gene: ASXL3 (ASXL transcriptional regulator 3; plus strand). Cytogenetic location: 18q12.1.
Variant type: single nucleotide variant.
Coding change: c.2623A>G on transcript NM_030632.3 (MANE Select); coding-DNA position 2623, A replaced by G.
Protein change: p.Lys875Glu; replaces lysine 875 with glutamic acid.
Molecular consequence: missense variant.
Genome position (GRCh38, 1-based): chr18:33,740,027, A>G. VCF-style: chr18-33740027-A-G. GRCh37 (hg19) VCF-style: chr18-31319991-A-G.
Other names: short protein forms K875E.
Identifiers: ClinVar variation 5030751 (VCV005030751.1).